The following is an entry in ClinVar:

NM_016373.4(WWOX):c.745C>T (p.Arg249Cys)

Gene: WWOX (WW domain containing oxidoreductase; plus strand). Cytogenetic location: 16q23.1.
Variant type: single nucleotide variant.
Coding change: c.745C>T on transcript NM_016373.4 (MANE Select); coding-DNA position 745, C replaced by T.
Protein change: p.Arg249Cys; replaces arginine 249 with cysteine.
Molecular consequence: missense variant.
Genome position (GRCh38, 1-based): chr16:78,425,009, C>T. VCF-style: chr16-78425009-C-T. GRCh37 (hg19) VCF-style: chr16-78458906-C-T.
Other names: c.745C>T (NM_016373.2); c.406C>T, p.Arg136Cys (NM_001291997.2); short protein forms R249C, R136C.
Identifiers: ClinVar variation 576271 (VCV000576271.34), dbSNP rs749277249, ClinGen allele CA8183437.
Genomic context (GRCh38, chr16:78,425,009, plus strand): 5'-TTTCAAGTGAATCATCTGGGGCACTTCTACCTTGTCCAGCTCCTCCAGGATGTTTTGTGC[C>T]GCTCAGCTCCTGCCCGTGTCATTGTGGTCTCCTCAGAGTCCCATCGGTGGGTTTGAATTG-3'
Protein context (NP_057457.1, residues 239-259): LVQLLQDVLC[Arg249Cys]SAPARVIVVS

ClinVar aggregate classification (germline): Conflicting classifications of pathogenicity. Review status: criteria provided, conflicting classifications (1 of 4 stars). 4 submissions from 4 submitters: Uncertain significance (3); Likely benign (1). Last evaluated 2026-03-23.

Conditions:
Autosomal recessive spinocerebellar ataxia 12. Also called: SPINOCEREBELLAR ATAXIA WITH MENTAL RETARDATION AND EPILEPSY. Identifiers: Orphanet 284282, MedGen C3280452, MONDO:0013687, OMIM 614322.
Developmental and epileptic encephalopathy, 1 (DEE1). Also called: X-linked infantile spasms; West's syndrome; Tonic spasms with clustering, arrest of psychomotor development and hypsarrhythmia on EEG; X-Linked Infantile Spasm Syndrome; INFANTILE SPASM SYNDROME, X-LINKED 1; Epileptic encephalopathy, early infantile, 1. Identifiers: MedGen C3463992, MONDO:0010632, OMIM 308350. Disease mechanism: loss of function.

Allele frequency attached by ClinVar (database versions not stated): TOPMed 0.00003.
gnomAD v4.1: 98 of 1,613,944 alleles (0.0061%); highest among the groups gnomAD compares: South Asian, 0.0077%; 1 homozygote.

Submissions (4):

GeneDx
Classification: Uncertain significance. Last evaluated: 2026-03-23. Review status: criteria provided, single submitter. Criteria: GeneDx Variant Classification Process June 2021. Collection method: clinical testing. Allele origin: germline.
Comment: Not observed at significant frequency in large population cohorts (gnomAD); In silico analysis supports that this missense variant has a deleterious effect on protein structure/function; Has not been previously published as pathogenic or benign to our knowledge; This variant is associated with the following publications: (PMID: 25411445)

Labcorp Genetics (formerly Invitae), Labcorp
Classification: Uncertain significance for Developmental and epileptic encephalopathy, 1; Autosomal recessive spinocerebellar ataxia 12. Last evaluated: 2023-12-21. Review status: criteria provided, single submitter. Criteria: Invitae Variant Classification Sherloc (09022015). Collection method: clinical testing. Allele origin: germline.
Comment: This sequence change replaces arginine with cysteine at codon 249 of the WWOX protein (p.Arg249Cys). The arginine residue is moderately conserved and there is a large physicochemical difference between arginine and cysteine. This variant is present in population databases (rs749277249, gnomAD 0.007%). This variant has not been reported in the literature in individuals affected with WWOX-related conditions. ClinVar contains an entry for this variant (Variation ID: 576271). Advanced modeling of protein sequence and biophysical properties (such as structural, functional, and spatial information, amino acid conservation, physicochemical variation, residue mobility, and thermodynamic stability) performed at Invitae indicates that this missense variant is not expected to disrupt WWOX protein function with a negative predictive value of 80%. In summary, the available evidence is currently insufficient to determine the role of this variant in disease. Therefore, it has been classified as a Variant of Uncertain Significance.

CeGaT Center for Human Genetics Tuebingen
Classification: Likely benign. Last evaluated: 2022-04-01. Review status: criteria provided, single submitter. Criteria: CeGaT Center For Human Genetics Tuebingen Variant Classification Criteria Version 2. Collection method: clinical testing. Allele origin: germline. Affected: yes. Observed: 1 variant allele.
Comment: WWOX: BP4, BP5

Mayo Clinic Laboratories, Mayo Clinic
Classification: Uncertain significance. Last evaluated: 2020-03-03. Review status: criteria provided, single submitter. Criteria: ACMG Guidelines, 2015. Collection method: clinical testing. Allele origin: germline. Observed: 1 variant allele.